The following is an entry in ClinVar:

NM_003480.4(MFAP5):c.295C>T (p.Arg99Trp)

Gene: MFAP5 (microfibril associated protein 5; minus strand). Cytogenetic location: 12p13.31.
Variant type: single nucleotide variant.
Coding change: c.295C>T on transcript NM_003480.4 (MANE Select); coding-DNA position 295, C replaced by T.
Protein change: p.Arg99Trp; replaces arginine 99 with tryptophan.
Molecular consequence: missense variant. On other transcripts: non-coding transcript variant (2), intron variant (1).
Genome position (GRCh38, 1-based): chr12:8,650,542, G>A on the plus strand (C>T on the coding strand, the complement: MFAP5 is on the minus strand). VCF-style: chr12-8650542-G-A. GRCh37 (hg19) VCF-style: chr12-8803138-G-A.
Other names: c.265C>T, p.Arg89Trp (NM_001297709.2); c.229C>T, p.Arg77Trp (NM_001297710.2); c.220C>T, p.Arg74Trp (NM_001297711.2); c.218-2339C>T (NM_001297712.2); short protein forms R77W, R89W, R74W, R99W.
Identifiers: ClinVar variation 1798153 (VCV001798153.6), dbSNP rs376156013, ClinGen allele CA6434641.

ClinVar aggregate classification (germline): Uncertain significance. Review status: criteria provided, multiple submitters, no conflicts (2 of 4 stars). 2 submissions from 2 submitters: Uncertain significance (2). Last evaluated 2025-05-06.

Conditions:
Cardiovascular phenotype. Identifiers: MedGen CN230736.

Allele frequency attached by ClinVar (database versions not stated): ExAC 0.00009; gnomAD exomes 0.00002; ESP Exome Variant Server 0.00008.
gnomAD v4.1: 37 of 1,613,952 alleles (0.0023%); highest among the groups gnomAD compares: East Asian, 0.018%; no homozygotes.

Submissions (2):

Labcorp Genetics (formerly Invitae), Labcorp
Classification: Uncertain significance. Last evaluated: 2025-05-06. Review status: criteria provided, single submitter. Criteria: Invitae Variant Classification Sherloc (09022015). Collection method: clinical testing. Allele origin: germline.
Comment: This sequence change replaces arginine, which is basic and polar, with tryptophan, which is neutral and slightly polar, at codon 99 of the MFAP5 protein (p.Arg99Trp). This variant is present in population databases (rs376156013, gnomAD 0.03%). This variant has not been reported in the literature in individuals affected with MFAP5-related conditions. ClinVar contains an entry for this variant (Variation ID: 1798153). An algorithm developed to predict the effect of missense changes on protein structure and function (PolyPhen-2) suggests that this variant is likely to be disruptive. Algorithms developed to predict the effect of sequence changes on RNA splicing suggest that this variant may disrupt the consensus splice site. In summary, the available evidence is currently insufficient to determine the role of this variant in disease. Therefore, it has been classified as a Variant of Uncertain Significance.

Ambry Genetics
Classification: Uncertain significance for Cardiovascular phenotype. Last evaluated: 2024-11-13. Review status: criteria provided, single submitter. Criteria: Ambry Variant Classification Scheme 2023. Collection method: clinical testing. Allele origin: germline.
Comment: The p.R99W variant (also known as c.295C>T), located in coding exon 7 of the MFAP5 gene, results from a C to T substitution at nucleotide position 295. The arginine at codon 99 is replaced by tryptophan, an amino acid with dissimilar properties. This amino acid position is highly conserved in available vertebrate species. In addition, the in silico prediction for this alteration is inconclusive. Since supporting evidence is limited at this time, the clinical significance of this alteration remains unclear.